The following is an entry in ClinVar:

NM_001160148.2(DDHD1):c.965A>C (p.Gln322Pro)

Gene: DDHD1 (DDHD domain containing 1; minus strand). Cytogenetic location: 14q22.1.
Variant type: single nucleotide variant.
Coding change: c.965A>C on transcript NM_001160148.2 (MANE Select); coding-DNA position 965, A replaced by C.
Protein change: p.Gln322Pro; replaces glutamine 322 with proline.
Molecular consequence: missense variant.
Genome position (GRCh38, 1-based): chr14:53,103,730, T>G on the plus strand (A>C on the coding strand, the complement: DDHD1 is on the minus strand). VCF-style: chr14-53103730-T-G. GRCh37 (hg19) VCF-style: chr14-53570448-T-G.
Other names: c.965A>C, p.Gln322Pro (NM_001160147.2, NM_030637.3); short protein forms Q322P.
Identifiers: ClinVar variation 2161185 (VCV002161185.4), dbSNP rs937254999, ClinGen allele CA261000375.

ClinVar aggregate classification (germline): Uncertain significance (1 of 4 stars; one submission).

Conditions:
Hereditary spastic paraplegia 28. Also called: Spastic paraplegia 28, autosomal recessive. Identifiers: Orphanet 101008, MedGen C1836295, MONDO:0012256, OMIM 609340.

Allele frequency attached by ClinVar (database versions not stated): gnomAD exomes 0.00002.
gnomAD v4.1: 23 of 1,613,232 alleles (0.0014%); highest among the groups gnomAD compares: Non-Finnish European, 0.0019%; no homozygotes.

Submission:

Labcorp Genetics (formerly Invitae), Labcorp
Classification: Uncertain significance for Hereditary spastic paraplegia 28. Last evaluated: 2022-05-21. Review status: criteria provided, single submitter. Criteria: Invitae Variant Classification Sherloc (09022015). Collection method: clinical testing. Allele origin: germline.
Comment: This sequence change replaces glutamine, which is neutral and polar, with proline, which is neutral and non-polar, at codon 322 of the DDHD1 protein (p.Gln322Pro). This variant is not present in population databases (gnomAD no frequency). This variant has not been reported in the literature in individuals affected with DDHD1-related conditions. Algorithms developed to predict the effect of missense changes on protein structure and function (SIFT, PolyPhen-2, Align-GVGD) all suggest that this variant is likely to be tolerated. In summary, the available evidence is currently insufficient to determine the role of this variant in disease. Therefore, it has been classified as a Variant of Uncertain Significance.